The following is an entry in ClinVar:

ClinVar aggregate classification (germline): Uncertain significance (1 of 4 stars; one submission).

Conditions:
Charcot-Marie-Tooth disease type 2. Also called: Charcot-Marie-Tooth type 2. Identifiers: Orphanet 64746, MedGen C0270914, MONDO:0018993.

Submission:

Labcorp Genetics (formerly Invitae), Labcorp
Classification: Uncertain significance for Charcot-Marie-Tooth disease type 2. Last evaluated: 2024-05-16. Review status: criteria provided, single submitter. Criteria: Invitae Variant Classification Sherloc (09022015). Collection method: clinical testing. Allele origin: germline.
Comment: This sequence change replaces tyrosine, which is neutral and polar, with cysteine, which is neutral and slightly polar, at codon 1309 of the KIF1B protein (p.Tyr1309Cys). This variant is not present in population databases (gnomAD no frequency). This variant has not been reported in the literature in individuals affected with KIF1B-related conditions. An algorithm developed to predict the effect of missense changes on protein structure and function (PolyPhen-2) suggests that this variant is likely to be disruptive. In summary, the available evidence is currently insufficient to determine the role of this variant in disease. Therefore, it has been classified as a Variant of Uncertain Significance.

NM_001365951.3(KIF1B):c.4064A>G (p.Tyr1355Cys)

Gene: KIF1B (kinesin family member 1B; plus strand). Cytogenetic location: 1p36.22.
Variant type: single nucleotide variant.
Coding change: c.4064A>G on transcript NM_001365951.3 (MANE Select); coding-DNA position 4064, A replaced by G.
Protein change: p.Tyr1355Cys; replaces tyrosine 1355 with cysteine.
Molecular consequence: missense variant.
Genome position (GRCh38, 1-based): chr1:10,360,937, A>G. VCF-style: chr1-10360937-A-G. GRCh37 (hg19) VCF-style: chr1-10420995-A-G.
Other names: c.4064A>G, p.Tyr1355Cys (NM_001365952.1); c.3926A>G, p.Tyr1309Cys (NM_015074.3); short protein forms Y1309C, Y1355C.
Identifiers: ClinVar variation 3678525 (VCV003678525.2).